The following is an entry in ClinVar:

ClinVar aggregate classification (germline): Uncertain significance. Review status: criteria provided, multiple submitters, no conflicts (2 of 4 stars). 2 submissions from 2 submitters: Uncertain significance (2). Last evaluated 2022-11-28.

Conditions:
Catecholaminergic polymorphic ventricular tachycardia 1. Also called: RYR2-Related Catecholaminergic Polymorphic Ventricular Tachycardia; VENTRICULAR TACHYCARDIA, CATECHOLAMINERGIC POLYMORPHIC, 1, WITH OR WITHOUT ATRIAL DYSFUNCTION AND/OR DILATED CARDIOMYOPATHY; VENTRICULAR TACHYCARDIA, STRESS-INDUCED POLYMORPHIC 1. Identifiers: Orphanet 3286, MedGen C1631597, MONDO:0011484, OMIM 604772.
Cardiovascular phenotype. Identifiers: MedGen CN230736.

Submissions (2):

Ambry Genetics
Classification: Uncertain significance for Cardiovascular phenotype. Last evaluated: 2022-11-28. Review status: criteria provided, single submitter. Criteria: Ambry Variant Classification Scheme 2023. Collection method: clinical testing. Allele origin: germline.
Comment: The p.D2730N variant (also known as c.8188G>A), located in coding exon 54 of the RYR2 gene, results from a G to A substitution at nucleotide position 8188. The aspartic acid at codon 2730 is replaced by asparagine, an amino acid with highly similar properties. This amino acid position is well conserved in available vertebrate species. In addition, the in silico prediction for this alteration is inconclusive. Since supporting evidence is limited at this time, the clinical significance of this alteration remains unclear.

Labcorp Genetics (formerly Invitae), Labcorp
Classification: Uncertain significance for Catecholaminergic polymorphic ventricular tachycardia 1. Last evaluated: 2020-01-23. Review status: criteria provided, single submitter. Criteria: Invitae Variant Classification Sherloc (09022015). Collection method: clinical testing. Allele origin: germline.
Comment: In summary, the available evidence is currently insufficient to determine the role of this variant in disease. Therefore, it has been classified as a Variant of Uncertain Significance. Algorithms developed to predict the effect of missense changes on protein structure and function are either unavailable or do not agree on the potential impact of this missense change (SIFT: "Deleterious"; PolyPhen-2: "Possibly Damaging"; Align-GVGD: "Class C15"). This variant has not been reported in the literature in individuals with RYR2-related conditions. This variant is not present in population databases (ExAC no frequency). This sequence change replaces aspartic acid with asparagine at codon 2730 of the RYR2 protein (p.Asp2730Asn). The aspartic acid residue is highly conserved and there is a small physicochemical difference between aspartic acid and asparagine.

NM_001035.3(RYR2):c.8188G>A (p.Asp2730Asn)

Gene: RYR2 (ryanodine receptor 2; plus strand). Cytogenetic location: 1q43.
Variant type: single nucleotide variant.
Coding change: c.8188G>A on transcript NM_001035.3 (MANE Select); coding-DNA position 8188, G replaced by A.
Protein change: p.Asp2730Asn; replaces aspartic acid 2730 with asparagine.
Molecular consequence: missense variant.
Genome position (GRCh38, 1-based): chr1:237,658,002, G>A. VCF-style: chr1-237658002-G-A. GRCh37 (hg19) VCF-style: chr1-237821302-G-A.
Other names: c.8188G>A (NM_001035.2); short protein forms D2730N.
Identifiers: ClinVar variation 1024772 (VCV001024772.49), dbSNP rs1683417536, ClinGen allele CA345401239.